The following is an entry in ClinVar:

ClinVar aggregate classification (germline): Conflicting classifications of pathogenicity. Review status: criteria provided, conflicting classifications (1 of 4 stars). 3 submissions from 3 submitters: Uncertain significance (1); Likely benign (2). Last evaluated 2025-12-19.

Conditions:
Agammaglobulinemia 4, autosomal recessive (AGM4). Also called: AGAMMAGLOBULINEMIA, AUTOSOMAL RECESSIVE, DUE TO BLNK DEFECT; B cell linker protein deficiency. Identifiers: MedGen C3150752, MONDO:0013289, OMIM 613502.

Allele frequency attached by ClinVar (database versions not stated): TOPMed 0.00023; ExAC 0.00027; gnomAD 0.00027 and 0.00028; gnomAD exomes 0.00028 and 0.00047; ESP Exome Variant Server 0.00046.
gnomAD v4.1: 724 of 1,613,782 alleles (0.045%); highest among the groups gnomAD compares: Non-Finnish European, 0.056%; 2 homozygotes.

Submissions (3):

Labcorp Genetics (formerly Invitae), Labcorp
Classification: Likely benign for Agammaglobulinemia 4, autosomal recessive. Last evaluated: 2025-12-19. Review status: criteria provided, single submitter. Criteria: Invitae Variant Classification Sherloc (09022015). Collection method: clinical testing. Allele origin: germline.

Blueprint Genetics
Classification: Likely benign. Last evaluated: 2024-10-30. Review status: criteria provided, single submitter. Criteria: ACMG Guidelines, 2015. Collection method: clinical testing. Allele origin: germline.

Baylor Genetics
Classification: Uncertain significance for Agammaglobulinemia 4, autosomal recessive. Last evaluated: 2018-01-13. Review status: criteria provided, single submitter. Criteria: ACMG Guidelines, 2015. Collection method: clinical testing. Allele origin: maternal. Affected: yes.
Comment: This variant was determined to be of uncertain significance according to ACMG Guidelines, 2015 [PMID:25741868].

NM_013314.4(BLNK):c.205-15C>T

Gene: BLNK (B cell linker; minus strand). Cytogenetic location: 10q24.1.
Variant type: single nucleotide variant.
Coding change: c.205-15C>T on transcript NM_013314.4 (MANE Select); 15 bases into the intron before coding-DNA position 205, C replaced by T.
Molecular consequence: intron variant.
Genome position (GRCh38, 1-based): chr10:96,227,581, G>A on the plus strand (C>T on the coding strand, the complement: BLNK is on the minus strand). VCF-style: chr10-96227581-G-A. GRCh37 (hg19) VCF-style: chr10-97987337-G-A.
Other names: c.205-15C>T (NM_001258442.2, NM_001258441.2, NM_001114094.2 and 1 more transcripts).
Identifiers: ClinVar variation 1031777 (VCV001031777.10), dbSNP rs199854336, ClinGen allele CA5623542.